The following is an entry in ClinVar:

ClinVar aggregate classification (germline): Uncertain significance (1 of 4 stars; one submission).

Conditions:
Infantile neuroaxonal dystrophy (NBIA2A). Also called: NEURODEGENERATION WITH BRAIN IRON ACCUMULATION 2A; SEITELBERGER DISEASE; Infantile neuroaxonal dystrophy 1. Identifiers: Orphanet 35069, MedGen C0270724, MONDO:0024457, OMIM 256600.

Allele frequency attached by ClinVar (database versions not stated): gnomAD 0.00004; TOPMed 0.00002; gnomAD exomes 0.00001.
gnomAD v4.1: 22 of 1,610,978 alleles (0.0014%); highest among the groups gnomAD compares: Admixed American, 0.0067%; no homozygotes.

Submission:

Labcorp Genetics (formerly Invitae), Labcorp
Classification: Uncertain significance for Infantile neuroaxonal dystrophy. Last evaluated: 2021-11-27. Review status: criteria provided, single submitter. Criteria: Invitae Variant Classification Sherloc (09022015). Collection method: clinical testing. Allele origin: germline.
Comment: This sequence change replaces arginine, which is basic and polar, with cysteine, which is neutral and slightly polar, at codon 132 of the PLA2G6 protein (p.Arg132Cys). The frequency data for this variant in the population databases is considered unreliable, as metrics indicate poor data quality at this position in the gnomAD database. This variant has not been reported in the literature in individuals affected with PLA2G6-related conditions. Advanced modeling of protein sequence and biophysical properties (such as structural, functional, and spatial information, amino acid conservation, physicochemical variation, residue mobility, and thermodynamic stability) performed at Invitae indicates that this missense variant is expected to disrupt PLA2G6 protein function. In summary, the available evidence is currently insufficient to determine the role of this variant in disease. Therefore, it has been classified as a Variant of Uncertain Significance.

NM_003560.4(PLA2G6):c.394C>T (p.Arg132Cys)

Gene: PLA2G6 (phospholipase A2 group VI; minus strand). Cytogenetic location: 22q13.1.
Variant type: single nucleotide variant.
Coding change: c.394C>T on transcript NM_003560.4 (MANE Select); coding-DNA position 394, C replaced by T.
Protein change: p.Arg132Cys; replaces arginine 132 with cysteine.
Molecular consequence: missense variant. On other transcripts: 5 prime UTR variant (3).
Genome position (GRCh38, 1-based): chr22:38,145,469, G>A on the plus strand (C>T on the coding strand, the complement: PLA2G6 is on the minus strand). VCF-style: chr22-38145469-G-A. GRCh37 (hg19) VCF-style: chr22-38541476-G-A.
Other names: c.394C>T, p.Arg132Cys (NM_001004426.3, NM_001199562.3, NM_001349864.2 and 2 more transcripts); c.-141C>T (NM_001349867.2, NM_001349869.2); c.-97C>T (NM_001349868.2); short protein forms R132C.
Identifiers: ClinVar variation 1408694 (VCV001408694.3), dbSNP rs1219753283, ClinGen allele CA411532138.
Genomic context (GRCh38, chr22:38,145,469, plus strand): 5'-TGTCCAAATGGTCTTGTTCCCTTGCTCACCTGATGATACGGCTGTGATGGAAGCACTCGC[G>A]GATCCCTAGCTCCACAGCCAGGTGGGCCACTGACCAGCTGGGGTGGTTACGGATGAGGTC-3'
Protein context (NP_003551.2, residues 122-142): VAHLAVELGI[Arg132Cys]ECFHHSRIIS